The following is an entry in ClinVar:

ClinVar aggregate classification (germline): Uncertain significance (1 of 4 stars; one submission).

Conditions:
Charcot-Marie-Tooth disease type 4. Also called: Charcot-Marie-Tooth disease, type IV; Charcot-Marie-Tooth, Type 4. Identifiers: Orphanet 64749, MedGen C4082197, MONDO:0018995.

Allele frequency attached by ClinVar (database versions not stated): TOPMed 0.00001.

Submission:

Labcorp Genetics (formerly Invitae), Labcorp
Classification: Uncertain significance for Charcot-Marie-Tooth disease type 4. Last evaluated: 2021-09-07. Review status: criteria provided, single submitter. Criteria: Invitae Variant Classification Sherloc (09022015). Collection method: clinical testing. Allele origin: germline.
Comment: This variant is not present in population databases (ExAC no frequency). This sequence change replaces proline with leucine at codon 165 of the SBF2 protein (p.Pro165Leu). The proline residue is highly conserved and there is a moderate physicochemical difference between proline and leucine. This variant has not been reported in the literature in individuals affected with SBF2-related conditions. Algorithms developed to predict the effect of missense changes on protein structure and function are either unavailable or do not agree on the potential impact of this missense change (SIFT: "Deleterious"; PolyPhen-2: "Probably Damaging"; Align-GVGD: "Class C0"). In summary, the available evidence is currently insufficient to determine the role of this variant in disease. Therefore, it has been classified as a Variant of Uncertain Significance.

NM_030962.4(SBF2):c.494C>T (p.Pro165Leu)

Gene: SBF2 (SET binding factor 2; minus strand). Cytogenetic location: 11p15.4.
Variant type: single nucleotide variant.
Coding change: c.494C>T on transcript NM_030962.4 (MANE Select); coding-DNA position 494, C replaced by T.
Protein change: p.Pro165Leu; replaces proline 165 with leucine.
Molecular consequence: missense variant.
Genome position (GRCh38, 1-based): chr11:10,029,784, G>A on the plus strand (C>T on the coding strand, the complement: SBF2 is on the minus strand). VCF-style: chr11-10029784-G-A. GRCh37 (hg19) VCF-style: chr11-10051331-G-A.
Other names: c.494C>T, p.Pro165Leu (NM_001386339.1, NM_001386342.1); short protein forms P165L.
Identifiers: ClinVar variation 1436908 (VCV001436908.6), dbSNP rs1949187604, ClinGen allele CA379646147.